The following is an entry in ClinVar:

ClinVar aggregate classification (germline): Conflicting classifications of pathogenicity. Review status: criteria provided, conflicting classifications (1 of 4 stars). 10 submissions from 10 submitters: Uncertain significance (3); Likely benign (6). 1 of the submissions does not count toward it. Last evaluated 2025-08-20.

Conditions:
Hereditary cancer-predisposing syndrome. Also called: Hereditary Cancer Syndrome; Tumor predisposition; Neoplastic Syndromes, Hereditary; Hereditary neoplastic syndrome. Identifiers: Orphanet 140162, MedGen C0027672, MeSH D009386, MONDO:0015356.
Hereditary breast ovarian cancer syndrome. Also called: Breast and ovarian cancer; BRCA1- and BRCA2-Associated Hereditary Breast and Ovarian Cancer; Hereditary breast and ovarian cancer; Hereditary breast and ovarian cancer syndrome (HBOC); Hereditary breast and ovarian cancer syndrome; Hereditary breast and/or ovarian cancer syndrome. Identifiers: Orphanet 145, MedGen C0677776, MeSH D061325, MONDO:0003582. Disease mechanism: loss of function.
Breast-ovarian cancer, familial, susceptibility to, 2 (BROVCA2). Also called: BRCA2 Hereditary Breast and Ovarian Cancer. Identifiers: Orphanet 145, MedGen C2675520, MONDO:0012933, OMIM 612555. Disease mechanism: loss of function.
Familial cancer of breast. Also called: BREAST CANCER, FAMILIAL; hereditary breast carcinoma; Hereditary breast cancer. Identifiers: Orphanet 227535, MedGen C0346153, MONDO:0016419, OMIM 114480. Disease mechanism: loss of function.

Allele frequency attached by ClinVar (database versions not stated): TOPMed 0.00001.
gnomAD v4.1: 6 of 1,607,954 alleles (0.00037%); highest among the groups gnomAD compares: Non-Finnish European, 0.00042%; no homozygotes.

Submissions (10):

Labcorp Genetics (formerly Invitae), Labcorp
Classification: Uncertain significance for Hereditary breast ovarian cancer syndrome. Last evaluated: 2025-08-20. Review status: criteria provided, single submitter. Criteria: Invitae Variant Classification Sherloc (09022015). Collection method: clinical testing. Allele origin: germline.
Comment: This sequence change replaces histidine, which is basic and polar, with arginine, which is basic and polar, at codon 1256 of the BRCA2 protein (p.His1256Arg). This variant is not present in population databases (gnomAD no frequency). This variant has not been reported in the literature in individuals affected with BRCA2-related conditions. ClinVar contains an entry for this variant (Variation ID: 51520). Invitae Evidence Modeling of protein sequence and biophysical properties (such as structural, functional, and spatial information, amino acid conservation, physicochemical variation, residue mobility, and thermodynamic stability) indicates that this missense variant is not expected to disrupt BRCA2 protein function with a negative predictive value of 95%. RNA analysis performed to evaluate the impact of this missense change on mRNA splicing indicates it does not significantly alter splicing (internal data). In summary, the available evidence is currently insufficient to determine the role of this variant in disease. Therefore, it has been classified as a Variant of Uncertain Significance.

CeGaT Center for Human Genetics Tuebingen
Classification: Likely benign. Last evaluated: 2024-09-01. Review status: criteria provided, single submitter. Criteria: CeGaT Center For Human Genetics Tuebingen Variant Classification Criteria Version 2. Collection method: clinical testing. Allele origin: germline. Affected: yes. Observed: 1 variant allele.
Comment: BRCA2: BP1, BP4

Quest Diagnostics Nichols Institute San Juan Capistrano
Classification: Uncertain significance. Last evaluated: 2024-03-21. Review status: criteria provided, single submitter. Criteria: Quest Diagnostics criteria. Collection method: clinical testing. Allele origin: unknown.
Comment: The BRCA2 c.3767A>G (p.His1256Arg) variant has been reported in the published literature as a variant of uncertain significance based on a multifactorial analysis model (PMID: 31131967 (2019)), and described to be located in a region of the BRCA2 gene that is tolerant to missense sequence changes (PMID: 31911673 (2020)). This variant has not been reported in large, multi-ethnic general populations (Genome Aggregation Database). Analysis of this variant using bioinformatics tools for the prediction of the effect of amino acid changes on protein structure and function yielded predictions that this variant is benign. Based on the available information, we are unable to determine the clinical significance of this variant.

Ambry Genetics
Classification: Likely benign for Hereditary cancer-predisposing syndrome. Last evaluated: 2024-03-05. Review status: criteria provided, single submitter. Criteria: Ambry Variant Classification Scheme 2023. Collection method: clinical testing. Allele origin: germline.

MGZ Medical Genetics Center
Classification: Likely benign for Familial cancer of breast. Last evaluated: 2024-02-09. Review status: criteria provided, single submitter. Criteria: CSpec BRCA1/2ACMG Rules Specifications V1.1.0. Collection method: clinical testing. Allele origin: germline. Affected: yes.
Comment: ACMG codes applied following ENIGMA VCEP rules: BP1_STR, PM2_SUP

All of Us Research Program, National Institutes of Health
Classification: Likely benign for Breast-ovarian cancer, familial, susceptibility to, 2. Last evaluated: 2023-09-17. Review status: criteria provided, single submitter. Criteria: ACMG Guidelines, 2015. Collection method: clinical testing. Allele origin: germline. Inheritance: Autosomal dominant inheritance. Observed: 3 variant alleles, 3 heterozygotes.
Comment: This study involves interpretation of variants in research participants for the purpose of population health screening. Participant phenotype was not available at the time of variant classification. Additional details can be found in publication PMID: 35346344, PMCID: PMC8962531

University of Washington Department of Laboratory Medicine, University of Washington
Classification: Likely benign for Hereditary cancer-predisposing syndrome. Last evaluated: 2023-03-23. Review status: criteria provided, single submitter. Criteria: Dines et al. (Genet Med. 2020). Collection method: curation. Allele origin: germline.
Comment: Missense variant in a coldspot region where missense variants are very unlikely to be pathogenic (PMID:31911673).

BRCA2 exon 11 coldspot. Reclassification based on statistical prior probability.

Sema4
Classification: Uncertain significance for Hereditary cancer-predisposing syndrome. Last evaluated: 2021-06-07. Review status: criteria provided, single submitter. Criteria: Sema4 Curation Guidelines. Collection method: curation. Allele origin: germline.
Comment: To the best of our knowledge, the BRCA2 c.3767A>G (p.H1256R) variant has not been reported in individuals with BRCA2-related disease. This variant is not reported in the population database Genome Aggregation Database (PMID: 32461654) but has been reported in ClinVar (Variation ID: 51520). Functional studies have not been performed, and in silico predictions of the variant's effect on protein function are inconclusive. Based on the current evidence available, this variant is interpreted as a variant of uncertain significance.

Color Diagnostics, LLC DBA Color Health
Classification: Likely benign for Hereditary cancer-predisposing syndrome. Last evaluated: 2017-11-30. Review status: criteria provided, single submitter. Criteria: ACMG Guidelines, 2015. Collection method: clinical testing. Allele origin: germline.

Breast Cancer Information Core (BIC) (BRCA2)
Classification: Uncertain significance for Breast-ovarian cancer, familial 2. Last evaluated: 2002-05-29. Review status: no assertion criteria provided. Collection method: clinical testing. Allele origin: germline. Affected: yes. Observed: 3 variant alleles. Not counted in ClinVar's aggregate classification.

Literature cited by the submitters: PubMed 31911673 (cited by Quest Diagnostics Nichols Institute San Juan Capistrano); PubMed 31131967 (cited by Quest Diagnostics Nichols Institute San Juan Capistrano and Ambry Genetics).

NM_000059.4(BRCA2):c.3767A>G (p.His1256Arg)

Gene: BRCA2 (BRCA2 DNA repair associated; plus strand). Cytogenetic location: 13q13.1.
Variant type: single nucleotide variant.
Coding change: c.3767A>G on transcript NM_000059.4 (MANE Select); coding-DNA position 3767, A replaced by G.
Protein change: p.His1256Arg; replaces histidine 1256 with arginine.
Molecular consequence: missense variant.
Genome position (GRCh38, 1-based): chr13:32,338,122, A>G. VCF-style: chr13-32338122-A-G. GRCh37 (hg19) VCF-style: chr13-32912259-A-G.
Other names: short protein forms H1256R.
Identifiers: ClinVar variation 51520 (VCV000051520.36), dbSNP rs80358618, ClinGen allele CA018755.